The following is an entry in ClinVar:

ClinVar aggregate classification (germline): Likely benign (1 of 4 stars; one submission).

Allele frequency attached by ClinVar (database versions not stated): TOPMed 0.00007; gnomAD exomes 0.00005.
gnomAD v4.1: 84 of 1,330,228 alleles (0.0063%); highest among the groups gnomAD compares: Admixed American, 0.0035%; no homozygotes.

Submission:

CeGaT Center for Human Genetics Tuebingen
Classification: Likely benign. Last evaluated: 2022-11-01. Review status: criteria provided, single submitter. Criteria: CeGaT Center For Human Genetics Tuebingen Variant Classification Criteria Version 2. Collection method: clinical testing. Allele origin: germline. Affected: yes. Observed: 1 variant allele.
Comment: ANKRD65: BP4, BP7

NM_001145210.3(ANKRD65):c.252G>T (p.Arg84=)

Genes: ANKRD65 (ankyrin repeat domain 65; minus strand), ANKRD65-AS1 (ANKRD65 antisense RNA 1; plus strand). Cytogenetic location: 1p36.33.
Variant type: single nucleotide variant.
Coding change: c.252G>T on transcript NM_001145210.3 (MANE Select); coding-DNA position 252, G replaced by T.
Protein change: p.Arg84=; no amino-acid change (arginine 84 retained).
Molecular consequence: synonymous variant. On other transcripts: non-coding transcript variant (1), intron variant (4).
Genome position (GRCh38, 1-based): chr1:1,420,550, C>A on the plus strand (G>T on the coding strand, the complement: ANKRD65 is on the minus strand). VCF-style: chr1-1420550-C-A. GRCh37 (hg19) VCF-style: chr1-1355930-C-A.
Other names: c.190+266G>T (NM_001243536.2, NM_001375660.1); c.209+247G>T (NM_001243535.2, NM_001375659.1).
Identifiers: ClinVar variation 2638011 (VCV002638011.24), dbSNP rs539691592, ClinGen allele CA522890.